The following is an entry in ClinVar:

NM_001164508.2(NEB):c.23141G>A (p.Arg7714Gln)

Genes: NEB (nebulin; minus strand), RIF1 (replication timing regulatory factor 1; plus strand). Cytogenetic location: 2q23.3.
Variant type: single nucleotide variant.
Coding change: c.23141G>A on transcript NM_001164508.2 (MANE Select); coding-DNA position 23141, G replaced by A.
Protein change: p.Arg7714Gln; replaces arginine 7714 with glutamine.
Molecular consequence: missense variant.
Genome position (GRCh38, 1-based): chr2:151,513,680, C>T on the plus strand (G>A on the coding strand, the complement: NEB is on the minus strand). VCF-style: chr2-151513680-C-T. GRCh37 (hg19) VCF-style: chr2-152370194-C-T.
Other names: c.23141G>A, p.Arg7714Gln (NM_001164507.2); c.23246G>A, p.Arg7749Gln (NM_001271208.2); c.18038G>A, p.Arg6013Gln (NM_004543.5); c.18038G>A (NM_004543.4); short protein forms R7749Q, R6013Q, R7714Q.
Identifiers: ClinVar variation 257796 (VCV000257796.44), dbSNP rs200963111, ClinGen allele CA1906425.

ClinVar aggregate classification (germline): Conflicting classifications of pathogenicity. Review status: criteria provided, conflicting classifications (1 of 4 stars). 7 submissions from 7 submitters: Uncertain significance (2); Likely benign (4). 1 of the submissions does not count toward it. Last evaluated 2026-01-19.

Conditions:
Inborn genetic diseases. Identifiers: MedGen C0950123, MeSH D030342.
Nemaline myopathy 2 (NEM2). Also called: Nemaline myopathy 2, autosomal recessive. Identifiers: MedGen C1850569, MONDO:0009725, OMIM 256030.

Allele frequency attached by ClinVar (database versions not stated): gnomAD exomes 0.00014; ExAC 0.00025; ESP Exome Variant Server 0.00059; 1000 Genomes Project 0.00060; gnomAD 0.00064; TOPMed 0.00069; 1000 Genomes Project 30x 0.00094.
gnomAD v4.1: 212 of 1,599,716 alleles (0.013%); highest among the groups gnomAD compares: African/African-American, 0.24%; no homozygotes.

Submissions (7):

Labcorp Genetics (formerly Invitae), Labcorp
Classification: Likely benign for Nemaline myopathy 2. Last evaluated: 2026-01-19. Review status: criteria provided, single submitter. Criteria: Invitae Variant Classification Sherloc (09022015). Collection method: clinical testing. Allele origin: germline.

Ambry Genetics
Classification: Uncertain significance for Inborn genetic diseases. Last evaluated: 2024-08-28. Review status: criteria provided, single submitter. Criteria: Ambry Variant Classification Scheme 2023. Collection method: clinical testing. Allele origin: germline.

CeGaT Center for Human Genetics Tuebingen
Classification: Likely benign. Last evaluated: 2023-09-01. Review status: criteria provided, single submitter. Criteria: CeGaT Center For Human Genetics Tuebingen Variant Classification Criteria Version 2. Collection method: clinical testing. Allele origin: germline. Affected: yes. Observed: 1 variant allele.
Comment: NEB: BP4

Women's Health and Genetics/Laboratory Corporation of America, LabCorp
Classification: Likely benign. Last evaluated: 2023-05-04. Review status: criteria provided, single submitter. Criteria: LabCorp Variant Classification Summary - May 2015. Collection method: clinical testing. Allele origin: germline.
Comment: Variant summary: NEB c.23246G>A (p.Arg7749Gln) results in a conservative amino acid change in the encoded protein sequence. Three of five in-silico tools predict a benign effect of the variant on protein function. The variant allele was found at a frequency of 0.00021 in 256704 control chromosomes, predominantly at a frequency of 0.0021 within the African or African-American subpopulation in the gnomAD database. This frequency is somewhat lower than estimated maximum for a pathogenic variant in NEB causing Nemaline Myopathy 2 (0.0035), allowing no clear conclusions about variant significance. To our knowledge, no occurrence of c.23246G>A in individuals affected with Nemaline Myopathy 2 and no experimental evidence demonstrating its impact on protein function have been reported. Five clinical diagnostic laboratories have submitted clinical-significance assessments for this variant to ClinVar after 2014, and the variant as uncertain significance (n = 3) or likely benign (n = 2). Based on the evidence outlined above, the variant was classified as likely benign.

GeneDx
Classification: Uncertain significance. Last evaluated: 2022-09-27. Review status: criteria provided, single submitter. Criteria: GeneDx Variant Classification Process June 2021. Collection method: clinical testing. Allele origin: germline. Affected: yes.
Comment: In silico analysis supports that this missense variant does not alter protein structure/function; Has not been previously published as pathogenic or benign to our knowledge

PreventionGenetics, part of Exact Sciences
Classification: Likely benign. Review status: criteria provided, single submitter. Criteria: ACMG Guidelines, 2015. Collection method: clinical testing. Allele origin: germline.

Natera, Inc.
Classification: Uncertain significance for Nemaline myopathy type 2. Last evaluated: 2020-01-17. Review status: no assertion criteria provided. Collection method: clinical testing. Allele origin: germline. Not counted in ClinVar's aggregate classification.